The following is an entry in ClinVar:

ClinVar aggregate classification (germline): not provided (0 of 4 stars; one submission).

Conditions:
Familial long QT syndrome (RWS). Also called: Congenital long QT syndrome; Romano-Ward syndrome; VENTRICULAR FIBRILLATION WITH PROLONGED QT INTERVAL. Identifiers: Orphanet 768, MedGen C1141890, MONDO:0019171.

Submission:

Cardiovascular Biomedical Research Unit, Royal Brompton & Harefield NHS Foundation Trust
No classification provided. Condition: Familial long QT syndrome. Review status: no classification provided. Collection method: literature only. Allele origin: germline.
Comment: This variant has been reported as associated with Long QT syndrome in the following publications (PMID:15840476;PMID:19841300;PMID:20421371). This is a literature report, and does not necessarily reflect the clinical interpretation of the Imperial College / Royal Brompton Cardiovascular Genetics laboratory.

Literature cited by the submitters: PubMed 15840476; PubMed 19841300; PubMed 20421371; PubMed 22581653.

NM_000218.3(KCNQ1):c.610A>T (p.Ile204Phe)

Gene: KCNQ1 (potassium voltage-gated channel subfamily Q member 1; plus strand). Cytogenetic location: 11p15.5.
Variant type: single nucleotide variant.
Coding change: c.610A>T on transcript NM_000218.3 (MANE Select); coding-DNA position 610, A replaced by T.
Protein change: p.Ile204Phe; replaces isoleucine 204 with phenylalanine.
Molecular consequence: missense variant.
Genome position (GRCh38, 1-based): chr11:2,571,330, A>T. VCF-style: chr11-2571330-A-T. GRCh37 (hg19) VCF-style: chr11-2592560-A-T.
Other names: c.610A>T (LRG_287t1); c.610A>T, p.Ile204Phe (NM_001406836.1); c.340A>T, p.Ile114Phe (NM_001406837.1); c.229A>T, p.Ile77Phe (NM_181798.2); short protein forms I204F, I77F, I114F.
Identifiers: ClinVar variation 53078 (VCV000053078.3), dbSNP rs199472703, ClinGen allele CA007754.